The following is an entry in ClinVar:

NM_020461.4(TUBGCP6):c.969C>T (p.Phe323=)

Gene: TUBGCP6 (tubulin gamma complex component 6; minus strand). Cytogenetic location: 22q13.33.
Variant type: single nucleotide variant.
Coding change: c.969C>T on transcript NM_020461.4 (MANE Select); coding-DNA position 969, C replaced by T.
Protein change: p.Phe323=; no amino-acid change (phenylalanine 323 retained).
Molecular consequence: synonymous variant.
Genome position (GRCh38, 1-based): chr22:50,233,463, G>A on the plus strand (C>T on the coding strand, the complement: TUBGCP6 is on the minus strand). VCF-style: chr22-50233463-G-A. GRCh37 (hg19) VCF-style: chr22-50671892-G-A.
Identifiers: ClinVar variation 741812 (VCV000741812.13), dbSNP rs140735008, ClinGen allele CA10308870.

ClinVar aggregate classification (germline): Likely benign. Review status: criteria provided, multiple submitters, no conflicts (2 of 4 stars). 3 submissions from 3 submitters: Likely benign (2). 1 of the submissions does not count toward it. Last evaluated 2025-11-27.

Conditions:
TUBGCP6-related disorder. Also called: TUBGCP6-related condition.

Allele frequency attached by ClinVar (database versions not stated): ExAC 0.00003; gnomAD 0.00003; gnomAD exomes 0.00004 and 0.00009; TOPMed 0.00006; ESP Exome Variant Server 0.00015.
gnomAD v4.1: 142 of 1,612,866 alleles (0.0088%); highest among the groups gnomAD compares: Non-Finnish European, 0.011%; no homozygotes.

Submissions (3):

Labcorp Genetics (formerly Invitae), Labcorp
Classification: Likely benign. Last evaluated: 2025-11-27. Review status: criteria provided, single submitter. Criteria: Invitae Variant Classification Sherloc (09022015). Collection method: clinical testing. Allele origin: germline.

Blueprint Genetics
Classification: Likely benign. Last evaluated: 2024-07-10. Review status: criteria provided, single submitter. Criteria: ACMG Guidelines, 2015. Collection method: clinical testing. Allele origin: germline.

PreventionGenetics, part of Exact Sciences
Classification: Likely benign for TUBGCP6-related condition. Last evaluated: 2023-02-27. Review status: no assertion criteria provided. Collection method: clinical testing. Allele origin: germline. Not counted in ClinVar's aggregate classification.
Comment: This variant is classified as likely benign based on ACMG/AMP sequence variant interpretation guidelines (Richards et al. 2015 PMID: 25741868, with internal and published modifications).